The following is an entry in ClinVar:

ClinVar aggregate classification (germline): Benign/Likely benign. Review status: criteria provided, multiple submitters, no conflicts (2 of 4 stars). 3 submissions from 3 submitters: Benign (1); Likely benign (2). Last evaluated 2025-11-11.

Conditions:
Hereditary cancer-predisposing syndrome. Also called: Hereditary Cancer Syndrome; Neoplastic Syndromes, Hereditary; Tumor predisposition; Hereditary neoplastic syndrome. Identifiers: Orphanet 140162, MedGen C0027672, MeSH D009386, MONDO:0015356.
Oligodontia-cancer predisposition syndrome. Also called: TOOTH AGENESIS-COLORECTAL CANCER SYNDROME. Identifiers: Orphanet 300576, MedGen C1837750, MONDO:0012075, OMIM 608615. Disease mechanism: loss of function.

Submissions (3):

Labcorp Genetics (formerly Invitae), Labcorp
Classification: Likely benign for Oligodontia-cancer predisposition syndrome. Last evaluated: 2025-11-11. Review status: criteria provided, single submitter. Criteria: Invitae Variant Classification Sherloc (09022015). Collection method: clinical testing. Allele origin: germline.

Ambry Genetics
Classification: Likely benign for Hereditary cancer-predisposing syndrome. Last evaluated: 2025-03-10. Review status: criteria provided, single submitter. Criteria: Ambry Variant Classification Scheme 2023. Collection method: clinical testing. Allele origin: germline.

Myriad Genetics, Inc.
Classification: Benign for Oligodontia-cancer predisposition syndrome. Last evaluated: 2024-07-08. Review status: criteria provided, single submitter. Criteria: Myriad Autosomal Dominant, Autosomal Recessive and X-Linked Classification Criteria (2023). Collection method: clinical testing. Allele origin: unknown.
Comment: This variant is considered benign. This variant is a silent/synonymous amino acid change and it is not expected to impact splicing.

NM_004655.4(AXIN2):c.1870C>T (p.Leu624=)

Gene: AXIN2 (axin 2; minus strand). Cytogenetic location: 17q24.1.
Variant type: single nucleotide variant.
Coding change: c.1870C>T on transcript NM_004655.4 (MANE Select); coding-DNA position 1870, C replaced by T.
Protein change: p.Leu624=; no amino-acid change (leucine 624 retained).
Molecular consequence: synonymous variant. On other transcripts: intron variant (1).
Genome position (GRCh38, 1-based): chr17:65,536,906, G>A on the plus strand (C>T on the coding strand, the complement: AXIN2 is on the minus strand). VCF-style: chr17-65536906-G-A. GRCh37 (hg19) VCF-style: chr17-63533024-G-A.
Other names: c.1713-353C>T (NM_001363813.1).
Identifiers: ClinVar variation 2749290 (VCV002749290.5), dbSNP rs2144448788, ClinGen allele CA501691063.